The following is an entry in ClinVar:

NM_002519.3(NPAT):c.610A>C (p.Ser204Arg)

Gene: NPAT (nuclear protein, coactivator of histone transcription; minus strand). Cytogenetic location: 11q22.3.
Variant type: single nucleotide variant.
Coding change: c.610A>C on transcript NM_002519.3 (MANE Select); coding-DNA position 610, A replaced by C.
Protein change: p.Ser204Arg; replaces serine 204 with arginine.
Molecular consequence: missense variant.
Genome position (GRCh38, 1-based): chr11:108,188,126, T>G on the plus strand (A>C on the coding strand, the complement: NPAT is on the minus strand). VCF-style: chr11-108188126-T-G. GRCh37 (hg19) VCF-style: chr11-108058853-T-G.
Other names: c.610A>C, p.Ser204Arg (NM_001321307.1); short protein forms S204R.
Identifiers: ClinVar variation 1751653 (VCV001751653.3), dbSNP rs1317334047, ClinGen allele CA382523042.

ClinVar aggregate classification (germline): Uncertain significance (1 of 4 stars; one submission).

gnomAD v4.1: 10 of 1,613,670 alleles (0.00062%); highest among the groups gnomAD compares: Non-Finnish European, 0.00085%; no homozygotes.

Submission:

Ambry Genetics
Classification: Uncertain significance. Last evaluated: 2023-09-06. Review status: criteria provided, single submitter. Criteria: Ambry Variant Classification Scheme 2023. Collection method: clinical testing. Allele origin: germline.
Comment: The p.S204R variant (also known as c.610A>C), located in coding exon 7 of the NPAT gene, results from an A to C substitution at nucleotide position 610. The serine at codon 204 is replaced by arginine, an amino acid with dissimilar properties. This amino acid position is conserved. In addition, this alteration is predicted to be tolerated by in silico analysis. Since supporting evidence is limited at this time, the clinical significance of this alteration remains unclear.